The following is an entry in ClinVar:

ClinVar aggregate classification (germline): Uncertain significance (1 of 4 stars; one submission).

Submission:

Women's Health and Genetics/Laboratory Corporation of America, LabCorp
Classification: Uncertain significance. Last evaluated: 2026-06-03. Review status: criteria provided, single submitter. Criteria: LabCorp Variant Classification Summary - May 2015. Collection method: clinical testing. Allele origin: germline.
Comment: Variant summary: The variant involves the deletion of exon 1 in the ELOVL7 gene. A presumed nomenclature of c.(?_-196)_(-86+1_-85-1)del has been designated for the purposes of this classification. Current evidence is not sufficient to establish loss of function as a mechanism for disease. The exact breakpoint at the 5' end of this variant is unknown, therefore this deletion may extend upstream of the annotated region of this gene. Although the exact breakpoints of this deletion are not known, it is predicted to delete a segment within the 5' UTR of the gene. The variant was absent in 21688 control chromosomes. The available data on variant occurrences in the general population are insufficient to allow any conclusion about variant significance. c.(?_-196)_(-86+1_-85-1)del has been observed in individual(s) affected with ELOVL7-related conditions. These report(s) do not provide unequivocal conclusions about association of the variant with disease. To our knowledge, no experimental evidence demonstrating an impact on protein function has been reported. No submitters have cited clinical-significance assessments for this variant to ClinVar. Based on the evidence outlined above, the variant was classified as uncertain significance.

NM_024930.3:c.(?_-196)_(-86+1_-85-1)del

Gene: ELOVL7 (ELOVL fatty acid elongase 7; minus strand).
Variant type: Deletion.
Other names: c.(?_-196)_(-86+1_-85-1)del (NM_024930.3).
Identifiers: ClinVar variation 4887534 (VCV004887534.1).